The following is an entry in ClinVar:

NM_007294.4(BRCA1):c.325A>G (p.Lys109Glu)

Gene: BRCA1 (BRCA1 DNA repair associated; minus strand). Cytogenetic location: 17q21.31.
Variant type: single nucleotide variant.
Coding change: c.325A>G on transcript NM_007294.4 (MANE Select); coding-DNA position 325, A replaced by G.
Protein change: p.Lys109Glu; replaces lysine 109 with glutamic acid.
Molecular consequence: missense variant. On other transcripts: non-coding transcript variant (1).
Genome position (GRCh38, 1-based): chr17:43,104,238, T>C on the plus strand (A>G on the coding strand, the complement: BRCA1 is on the minus strand). VCF-style: chr17-43104238-T-C. GRCh37 (hg19) VCF-style: chr17-41256255-T-C.
Other names: c.325A>G, p.Lys109Glu (NM_001407652.1, NM_001408422.1, NM_001408423.1 and 165 more transcripts); c.247A>G, p.Lys83Glu (NM_001407653.1, NM_001407654.1, NM_001408414.1 and 21 more transcripts); c.184A>G, p.Lys62Glu (NM_001407732.1, NM_001407733.1, NM_001407734.1 and 99 more transcripts); c.115A>G, p.Lys39Glu (NM_001407571.1, NM_001407853.1, NM_001407879.1 and 58 more transcripts); c.316A>G, p.Lys106Glu (NM_001407646.1, NM_001407647.1, NM_001408408.1); c.-57A>G (NM_001407959.1, NM_001407960.1, NM_001407962.1 and 4 more transcripts); c.193A>G, p.Lys65Glu (NM_001408451.1); short protein forms K109E, K62E, K106E, K39E, K65E, K83E.
Identifiers: ClinVar variation 479247 (VCV000479247.11), dbSNP rs1555596474, ClinGen allele CA10601497.

ClinVar aggregate classification (germline): Uncertain significance. Review status: criteria provided, multiple submitters, no conflicts (2 of 4 stars). 3 submissions from 3 submitters: Uncertain significance (3). Last evaluated 2025-09-25.

Conditions:
Hereditary breast ovarian cancer syndrome. Also called: Hereditary breast and ovarian cancer syndrome (HBOC); Hereditary breast and ovarian cancer syndrome; Breast and ovarian cancer; BRCA1- and BRCA2-Associated Hereditary Breast and Ovarian Cancer; Hereditary breast and ovarian cancer; Hereditary breast and/or ovarian cancer syndrome. Identifiers: Orphanet 145, MedGen C0677776, MeSH D061325, MONDO:0003582. Disease mechanism: loss of function.
Hereditary cancer-predisposing syndrome. Also called: Neoplastic Syndromes, Hereditary; Hereditary Cancer Syndrome; Hereditary neoplastic syndrome; Tumor predisposition. Identifiers: Orphanet 140162, MedGen C0027672, MeSH D009386, MONDO:0015356.

Submissions (3):

Ambry Genetics
Classification: Uncertain significance for Hereditary cancer-predisposing syndrome. Last evaluated: 2025-09-25. Review status: criteria provided, single submitter. Criteria: Ambry Variant Classification Scheme 2023. Collection method: clinical testing. Allele origin: germline.
Comment: The p.K109E variant (also known as c.325A>G), located in coding exon 5 of the BRCA1 gene, results from an A to G substitution at nucleotide position 325. The lysine at codon 109 is replaced by glutamic acid, an amino acid with similar properties. This amino acid position is highly conserved in available vertebrate species. In addition, this alteration is predicted to be deleterious by in silico analysis. Since supporting evidence is limited at this time, the clinical significance of this alteration remains unclear.

Labcorp Genetics (formerly Invitae), Labcorp
Classification: Uncertain significance for Hereditary breast ovarian cancer syndrome. Last evaluated: 2024-09-11. Review status: criteria provided, single submitter. Criteria: Invitae Variant Classification Sherloc (09022015). Collection method: clinical testing. Allele origin: germline.
Comment: This sequence change replaces lysine, which is basic and polar, with glutamic acid, which is acidic and polar, at codon 109 of the BRCA1 protein (p.Lys109Glu). This variant is not present in population databases (gnomAD no frequency). This variant has not been reported in the literature in individuals affected with BRCA1-related conditions. ClinVar contains an entry for this variant (Variation ID: 479247). Invitae Evidence Modeling of protein sequence and biophysical properties (such as structural, functional, and spatial information, amino acid conservation, physicochemical variation, residue mobility, and thermodynamic stability) has been performed for this missense variant. However, the output from this modeling did not meet the statistical confidence thresholds required to predict the impact of this variant on BRCA1 protein function. In summary, the available evidence is currently insufficient to determine the role of this variant in disease. Therefore, it has been classified as a Variant of Uncertain Significance.

Color Diagnostics, LLC DBA Color Health
Classification: Uncertain significance for Hereditary cancer-predisposing syndrome. Last evaluated: 2019-05-01. Review status: criteria provided, single submitter. Criteria: ACMG Guidelines, 2015. Collection method: clinical testing. Allele origin: germline.